The following is an entry in ClinVar:

ClinVar aggregate classification (germline): Uncertain significance (1 of 4 stars; one submission).

gnomAD v4.1: 1 of 1,612,918 alleles (0.000062%); highest among the groups gnomAD compares: Admixed American, 0.0017%; no homozygotes.

Submission:

Greenwood Genetic Center Diagnostic Laboratories, Greenwood Genetic Center
Classification: Uncertain significance. Last evaluated: 2021-05-04. Review status: criteria provided, single submitter. Criteria: ACMG Guidelines, 2015. Collection method: clinical testing. Allele origin: germline. Affected: yes.
Comment: PM2, PM3, PP3

NM_032608.7(MYO18B):c.103G>T (p.Gly35Trp)

Gene: MYO18B (myosin XVIIIB; plus strand). Cytogenetic location: 22q12.1.
Variant type: single nucleotide variant.
Coding change: c.103G>T on transcript NM_032608.7 (MANE Select); coding-DNA position 103, G replaced by T.
Protein change: p.Gly35Trp; replaces glycine 35 with tryptophan.
Molecular consequence: missense variant.
Genome position (GRCh38, 1-based): chr22:25,763,294, G>T. VCF-style: chr22-25763294-G-T. GRCh37 (hg19) VCF-style: chr22-26159261-G-T.
Other names: c.103G>T, p.Gly35Trp (NM_001318245.2); short protein forms G35W.
Identifiers: ClinVar variation 1334740 (VCV001334740.4), dbSNP rs771717793, ClinGen allele CA10159492.